The following is an entry in ClinVar:

NM_001353345.2(SETD1B):c.5863C>T (p.Leu1955Phe)

Gene: SETD1B (SET domain containing 1B, histone lysine methyltransferase; plus strand). Cytogenetic location: 12q24.31.
Variant type: single nucleotide variant.
Coding change: c.5863C>T on transcript NM_001353345.2 (MANE Select); coding-DNA position 5863, C replaced by T.
Protein change: p.Leu1955Phe; replaces leucine 1955 with phenylalanine.
Molecular consequence: missense variant.
Genome position (GRCh38, 1-based): chr12:121,830,201, C>T. VCF-style: chr12-121830201-C-T. GRCh37 (hg19) VCF-style: chr12-122268107-C-T.
Other names: short protein forms L1955F.
Identifiers: ClinVar variation 3343308 (VCV003343308.1).
Genomic context (GRCh38, chr12:121,830,201, plus strand): 5'-GTCAATGAGGAGATTACCTATGACTATAAGTTCCCCATCGAGGACGTCAAGATCCCCTGC[C>T]TCTGTGGCTCCGAGAACTGCCGGGGGACCCTCAACTAGGCCCCGGCACCAGACTCAAAGG-3'
Protein context (NP_001340274.1, residues 1945-1965): FPIEDVKIPC[Leu1955Phe]CGSENCRGTL

ClinVar aggregate classification (germline): Uncertain significance (1 of 4 stars; one submission).

Submission:

GeneDx
Classification: Uncertain significance. Last evaluated: 2023-05-04. Review status: criteria provided, single submitter. Criteria: GeneDx Variant Classification Process June 2021. Collection method: clinical testing. Allele origin: germline. Affected: yes.
Comment: Not observed at significant frequency in large population cohorts (gnomAD); In silico analysis supports that this missense variant has a deleterious effect on protein structure/function; Has not been previously published as pathogenic or benign to our knowledge